The following is an entry in ClinVar:

NM_002878.4(RAD51D):c.904-11T>C

Genes: RAD51L3-RFFL (RAD51L3-RFFL readthrough; minus strand), RAD51D (RAD51 paralog D; minus strand). Cytogenetic location: 17q12.
Variant type: single nucleotide variant.
Coding change: c.904-11T>C on transcript NM_002878.4 (MANE Select); 11 bases into the intron before coding-DNA position 904, T replaced by C.
Molecular consequence: intron variant.
Genome position (GRCh38, 1-based): chr17:35,101,047, A>G on the plus strand (T>C on the coding strand, the complement: RAD51D is on the minus strand). VCF-style: chr17-35101047-A-G. GRCh37 (hg19) VCF-style: chr17-33428066-A-G.
Other names: c.568-11T>C (NM_133629.3); c.964-11T>C (NM_001142571.2).
Identifiers: ClinVar variation 920351 (VCV000920351.13), dbSNP rs374449943, ClinGen allele CA8499312.

ClinVar aggregate classification (germline): Likely benign. Review status: criteria provided, multiple submitters, no conflicts (2 of 4 stars). 4 submissions from 4 submitters: Likely benign (4). Last evaluated 2025-02-25.

Conditions:
Hereditary breast ovarian cancer syndrome. Also called: BRCA1- and BRCA2-Associated Hereditary Breast and Ovarian Cancer; Hereditary breast and ovarian cancer syndrome; Hereditary breast and ovarian cancer; Hereditary breast and ovarian cancer syndrome (HBOC); Breast and ovarian cancer; Hereditary breast and/or ovarian cancer syndrome. Identifiers: Orphanet 145, MedGen C0677776, MeSH D061325, MONDO:0003582. Disease mechanism: loss of function.
Hereditary cancer-predisposing syndrome. Also called: Neoplastic Syndromes, Hereditary; Tumor predisposition; Hereditary Cancer Syndrome; Hereditary neoplastic syndrome. Identifiers: Orphanet 140162, MedGen C0027672, MeSH D009386, MONDO:0015356.
Breast-ovarian cancer, familial, susceptibility to, 4. Identifiers: Orphanet 145, MedGen C3280345, MONDO:0013669, OMIM 614291.

Allele frequency attached by ClinVar (database versions not stated): 1000 Genomes Project 30x 0.00031.
gnomAD v4.1: 4 of 1,612,038 alleles (0.00025%); highest among the groups gnomAD compares: African/African-American, 0.0053%; no homozygotes.

Submissions (4):

Myriad Genetics, Inc.
Classification: Likely benign for Breast-ovarian cancer, familial, susceptibility to, 4. Last evaluated: 2025-02-25. Review status: criteria provided, single submitter. Criteria: Myriad Autosomal Dominant, Autosomal Recessive and X-Linked Classification Criteria (2023). Collection method: clinical testing. Allele origin: unknown.
Comment: This variant is considered likely benign. This variant is intronic and is not expected to impact mRNA splicing.

Department of Pathology and Laboratory Medicine, Sinai Health System
Classification: Likely benign for Hereditary breast ovarian cancer syndrome. Last evaluated: 2023-08-16. Review status: criteria provided, single submitter. Criteria: ACMG Guidelines, 2015. Collection method: clinical testing. Allele origin: germline. Affected: yes.

Labcorp Genetics (formerly Invitae), Labcorp
Classification: Likely benign for Breast-ovarian cancer, familial, susceptibility to, 4. Last evaluated: 2023-06-18. Review status: criteria provided, single submitter. Criteria: Invitae Variant Classification Sherloc (09022015). Collection method: clinical testing. Allele origin: germline.

Color Diagnostics, LLC DBA Color Health
Classification: Likely benign for Hereditary cancer-predisposing syndrome. Last evaluated: 2019-01-04. Review status: criteria provided, single submitter. Criteria: ACMG Guidelines, 2015. Collection method: clinical testing. Allele origin: germline.